The following is an entry in ClinVar:

NM_001972.4(ELANE):c.656T>A (p.Val219Asp)

Gene: ELANE (elastase, neutrophil expressed; plus strand). Cytogenetic location: 19p13.3.
Variant type: single nucleotide variant.
Coding change: c.656T>A on transcript NM_001972.4 (MANE Select); coding-DNA position 656, T replaced by A.
Protein change: p.Val219Asp; replaces valine 219 with aspartic acid.
Molecular consequence: missense variant.
Genome position (GRCh38, 1-based): chr19:856,016, T>A. VCF-style: chr19-856016-T-A. GRCh37 (hg19) VCF-style: chr19-856016-T-A.
Other names: short protein forms V219D.
Identifiers: ClinVar variation 3759177 (VCV003759177.3).
Genomic context (GRCh38, chr19:856,016, plus strand): 5'-AGGGGGACTCCGGCAGCCCCTTGGTCTGCAACGGGCTAATCCACGGAATTGCCTCCTTCG[T>A]CCGGGGAGGCTGCGCCTCAGGGCTCTACCCCGATGCCTTTGCCCCGGTGGCACAGTTTGT-3'
Protein context (NP_001963.1, residues 209-229): NGLIHGIASF[Val219Asp]RGGCASGLYP

ClinVar aggregate classification (germline): Uncertain significance. Review status: criteria provided, multiple submitters, no conflicts (2 of 4 stars). 2 submissions from 2 submitters: Uncertain significance (2). Last evaluated 2025-01-14.

Conditions:
Inborn genetic diseases. Identifiers: MedGen C0950123, MeSH D030342.
Neutropenia, severe congenital, 1, autosomal dominant. Identifiers: MedGen C1859966, MONDO:0042490, OMIM 202700.
Cyclical neutropenia. Also called: Cyclic hematopoiesis; Cyclic Neutropenia. Identifiers: Orphanet 2686, MedGen C0221023, MONDO:0008090, OMIM 162800, HP:0040289. Disease mechanism: loss of function.

Submissions (2):

Ambry Genetics
Classification: Uncertain significance for Inborn genetic diseases. Last evaluated: 2025-01-14. Review status: criteria provided, single submitter. Criteria: Ambry Variant Classification Scheme 2023. Collection method: clinical testing. Allele origin: germline.
Comment: The p.V219D variant (also known as c.656T>A), located in coding exon 5 of the ELANE gene, results from a T to A substitution at nucleotide position 656. The valine at codon 219 is replaced by aspartic acid, an amino acid with highly dissimilar properties. This amino acid position is conserved. In addition, the in silico prediction for this alteration is inconclusive. Based on the available evidence, the clinical significance of this variant remains unclear.

Labcorp Genetics (formerly Invitae), Labcorp
Classification: Uncertain significance for Neutropenia, severe congenital, 1, autosomal dominant; Cyclical neutropenia. Last evaluated: 2024-12-31. Review status: criteria provided, single submitter. Criteria: Invitae Variant Classification Sherloc (09022015). Collection method: clinical testing. Allele origin: germline.
Comment: This sequence change replaces valine, which is neutral and non-polar, with aspartic acid, which is acidic and polar, at codon 219 of the ELANE protein (p.Val219Asp). This variant is not present in population databases (gnomAD no frequency). This variant has not been reported in the literature in individuals affected with ELANE-related conditions. Invitae Evidence Modeling of protein sequence and biophysical properties (such as structural, functional, and spatial information, amino acid conservation, physicochemical variation, residue mobility, and thermodynamic stability) has been performed for this missense variant. However, the output from this modeling did not meet the statistical confidence thresholds required to predict the impact of this variant on ELANE protein function. In summary, the available evidence is currently insufficient to determine the role of this variant in disease. Therefore, it has been classified as a Variant of Uncertain Significance.